The following is an entry in ClinVar:

NM_001127208.3(TET2):c.4151A>T (p.Asp1384Val)

Genes: TET2 (tet methylcytosine dioxygenase 2; plus strand), TET2-AS1 (TET2 antisense RNA 1; minus strand). Cytogenetic location: 4q24.
Variant type: single nucleotide variant.
Coding change: c.4151A>T on transcript NM_001127208.3 (MANE Select); coding-DNA position 4151, A replaced by T.
Protein change: p.Asp1384Val; replaces aspartic acid 1384 with valine.
Molecular consequence: missense variant.
Genome position (GRCh38, 1-based): chr4:105,269,716, A>T. VCF-style: chr4-105269716-A-T. GRCh37 (hg19) VCF-style: chr4-106190873-A-T.
Other names: short protein forms D1384V.
Identifiers: ClinVar variation 4710076 (VCV004710076.1).

ClinVar aggregate classification (germline): Uncertain significance (1 of 4 stars; one submission).

gnomAD v4.1: 2 of 1,551,690 alleles (0.00013%); highest among the groups gnomAD compares: East Asian, 0.0049%; no homozygotes.

Submission:

Labcorp Genetics (formerly Invitae), Labcorp
Classification: Uncertain significance. Last evaluated: 2025-11-24. Review status: criteria provided, single submitter. Criteria: Invitae Variant Classification Sherloc (09022015). Collection method: clinical testing. Allele origin: germline.
Comment: This sequence change replaces aspartic acid, which is acidic and polar, with valine, which is neutral and non-polar, at codon 1384 of the TET2 protein (p.Asp1384Val). This variant is present in population databases (no rsID available, gnomAD 0.01%). This variant has not been reported in the literature in individuals affected with TET2-related conditions. An algorithm developed to predict the effect of missense changes on protein structure and function (PolyPhen-2) suggests that this variant is likely to be disruptive. In summary, the available evidence is currently insufficient to determine the role of this variant in disease. Therefore, it has been classified as a Variant of Uncertain Significance.